The following is an entry in ClinVar:

NM_002734.5(PRKAR1A):c.545C>T (p.Thr182Met)

Gene: PRKAR1A (protein kinase cAMP-dependent type I regulatory subunit alpha; plus strand). Cytogenetic location: 17q24.2.
Variant type: single nucleotide variant.
Coding change: c.545C>T on transcript NM_002734.5 (MANE Select); coding-DNA position 545, C replaced by T.
Protein change: p.Thr182Met; replaces threonine 182 with methionine.
Molecular consequence: missense variant.
Genome position (GRCh38, 1-based): chr17:68,524,954, C>T. VCF-style: chr17-68524954-C-T. GRCh37 (hg19) VCF-style: chr17-66521095-C-T.
Other names: c.545C>T, p.Thr182Met (NM_001276289.2, NM_001276290.1, NM_001278433.2 and 4 more transcripts); short protein forms T182M.
Identifiers: ClinVar variation 429590 (VCV000429590.19), dbSNP rs199801675, ClinGen allele CA8729298.

ClinVar aggregate classification (germline): Conflicting classifications of pathogenicity. Review status: criteria provided, conflicting classifications (1 of 4 stars). 7 submissions from 7 submitters: Likely pathogenic (1); Uncertain significance (4); Likely benign (1). 1 of the submissions does not count toward it. Last evaluated 2026-01-26.

Conditions:
PRKAR1A-related disorder. Also called: PRKAR1A-related condition.
Hereditary cancer-predisposing syndrome. Also called: Hereditary Cancer Syndrome; Neoplastic Syndromes, Hereditary; Hereditary neoplastic syndrome; Tumor predisposition. Identifiers: Orphanet 140162, MedGen C0027672, MeSH D009386, MONDO:0015356.
Carney complex, type 1 (CNC1). Also called: CARNEY COMPLEX, TYPE I; CARNEY MYXOMA-ENDOCRINE COMPLEX. Identifiers: Orphanet 1359, MedGen C2607929, MONDO:0008057, OMIM 160980.
Acrodysostosis 1 with or without hormone resistance (ACRDYS1). Also called: ACRODYSOSTOSIS 1 WITH HORMONE RESISTANCE; ACRODYSOSTOSIS 1 WITHOUT HORMONE RESISTANCE; ACRODYSOSTOSIS WITH HORMONE RESISTANCE. Identifiers: Orphanet 280651, MedGen C3276228, MONDO:0007044, OMIM 101800.

Allele frequency attached by ClinVar (database versions not stated): gnomAD 0.00001; gnomAD exomes 0.00001; ExAC 0.00002; TOPMed 0.00002; ESP Exome Variant Server 0.00008; 1000 Genomes Project 30x 0.00016; 1000 Genomes Project 0.00020.
gnomAD v4.1: 20 of 1,607,578 alleles (0.0012%); highest among the groups gnomAD compares: East Asian, 0.0022%; no homozygotes.

Submissions (7):

Labcorp Genetics (formerly Invitae), Labcorp
Classification: Uncertain significance for Carney complex, type 1. Last evaluated: 2026-01-26. Review status: criteria provided, single submitter. Criteria: Invitae Variant Classification Sherloc (09022015). Collection method: clinical testing. Allele origin: germline.
Comment: This sequence change replaces threonine, which is neutral and polar, with methionine, which is neutral and non-polar, at codon 182 of the PRKAR1A protein (p.Thr182Met). This variant is present in population databases (rs199801675, gnomAD 0.005%). This missense change has been observed in individual(s) with osteosarcoma (PMID: 32191290). ClinVar contains an entry for this variant (Variation ID: 429590). Invitae Evidence Modeling of protein sequence and biophysical properties (such as structural, functional, and spatial information, amino acid conservation, physicochemical variation, residue mobility, and thermodynamic stability) indicates that this missense variant is not expected to disrupt PRKAR1A protein function with a negative predictive value of 95%. In summary, the available evidence is currently insufficient to determine the role of this variant in disease. Therefore, it has been classified as a Variant of Uncertain Significance.

St. Jude Molecular Pathology, St. Jude Children's Research Hospital
Classification: Uncertain significance for Carney complex, type 1. Last evaluated: 2024-02-06. Review status: criteria provided, single submitter. Criteria: St. Jude Assertion Criteria 2020. Collection method: clinical testing. Allele origin: germline.
Comment: The PRKAR1A c.545C>T (p.Thr182Met) missense change has a maximum subpopulation frequency of 0.012% in gnomAD v2.1.1. The in silico tool REVEL predicts a benign effect on protein function, but this prediction has not been confirmed by functional studies. This variant has not been reported in individuals with Carney complex. In summary, the evidence currently available is insufficient to determine the clinical significance of this variant. It has therefore been classified as of uncertain significance.

Baylor Genetics
Classification: Uncertain significance for Acrodysostosis 1 with or without hormone resistance. Last evaluated: 2023-11-15. Review status: criteria provided, single submitter. Criteria: ACMG Guidelines, 2015. Collection method: clinical testing. Allele origin: unknown.

Women's Health and Genetics/Laboratory Corporation of America, LabCorp
Classification: Uncertain significance. Last evaluated: 2021-09-27. Review status: criteria provided, single submitter. Criteria: LabCorp Variant Classification Summary - May 2015. Collection method: clinical testing. Allele origin: germline.
Comment: Variant summary: PRKAR1A c.545C>T (p.Thr182Met) results in a non-conservative amino acid change located in the Cyclic nucleotide binding domain (IPR000595) of the encoded protein sequence. Three of five in-silico tools predict a benign effect of the variant on protein function. The variant allele was found at a frequency of 8e-06 in 251140 control chromosomes. The available data on variant occurrences in the general population are insufficient to allow any conclusion about variant significance. The variant was reported somatically in patients with adrenocortical carcinoma, however to our knowledge, no germline occurrence of c.545C>T in individuals affected with Carney Complex and no experimental evidence demonstrating its impact on protein function have been reported. Multiple clinical diagnostic laboratories have submitted clinical-significance assessments for this variant to ClinVar after 2014 without evidence for independent evaluation. One laboratory classified the variant as likely pathogenic, one laboratory classified the variant as likely benign, and a third laboratory classified the variant as uncertain significance. Based on the evidence outlined above, the variant was classified as uncertain significance.

Ambry Genetics
Classification: Likely benign for Hereditary cancer-predisposing syndrome. Last evaluated: 2018-06-28. Review status: criteria provided, single submitter. Criteria: Ambry Variant Classification Scheme 2023. Collection method: clinical testing. Allele origin: germline.

GeneDx
Classification: Likely pathogenic. Last evaluated: 2015-10-20. Review status: criteria provided, single submitter. Criteria: GeneDx Variant Classification (06012015). Collection method: clinical testing. Allele origin: germline. Affected: yes.
Comment: The T182M variant in the PRKAR1 gene has not been published as a pathogenic variant, nor has it been reported as a benign polymorphism to our knowledge. The T182M variant was not observed with any significant frequency in approximately 6500 individuals of European and African American ancestry in the NHLBI Exome Sequencing Project, indicating it is not a common benign variant in these populations. The T182M variant is a non-conservative amino acid substitution, which is likely to impact secondary protein structure as these residues differ in polarity, charge, size and/or other properties. This substitution occurs at a position that is not conserved. In silico analysis is inconsistent in its predictions as to whether or not the variant is damaging to the protein structure/function. One missense variant in a nearby residue (D183Y) has been reported in the Human Gene Mutation Database in association with Carney complex (Stenson et al., 2014). The T182M variant is a strong candidate for a pathogenic variant , however the possibility it may be a rare benign variant cannot be excluded

PreventionGenetics, part of Exact Sciences
Classification: Uncertain significance for PRKAR1A-related condition. Last evaluated: 2024-05-06. Review status: no assertion criteria provided. Collection method: clinical testing. Allele origin: germline. Not counted in ClinVar's aggregate classification.
Comment: The PRKAR1A c.545C>T variant is predicted to result in the amino acid substitution p.Thr182Met. This variant has been reported in an individual with osteosarcoma in a cohort study of over 1200 patients with osteosarcoma (eTable 5. Mirabello et al 2020. PubMed ID: 32191290). This variant is reported in 0.0050% of alleles in individuals of East Asian descent in gnomAD. This variant has conflicting interpretations in ClinVar ranging from likely benign to likely pathogenic. At this time, the clinical significance of this variant is uncertain due to the absence of conclusive functional and genetic evidence.

Literature cited by the submitters: PubMed 32191290 (cited by Labcorp Genetics (formerly Invitae), Labcorp); PubMed 32287321 (cited by Women's Health and Genetics/Laboratory Corporation of America, LabCorp).